The following is an entry in ClinVar:

NM_139242.4(MTFMT):c.495C>T (p.His165=)

Gene: MTFMT (mitochondrial methionyl-tRNA formyltransferase; minus strand). Cytogenetic location: 15q22.31.
Variant type: single nucleotide variant.
Coding change: c.495C>T on transcript NM_139242.4 (MANE Select); coding-DNA position 495, C replaced by T.
Protein change: p.His165=; no amino-acid change (histidine 165 retained).
Molecular consequence: synonymous variant.
Genome position (GRCh38, 1-based): chr15:65,023,719, G>A on the plus strand (C>T on the coding strand, the complement: MTFMT is on the minus strand). VCF-style: chr15-65023719-G-A. GRCh37 (hg19) VCF-style: chr15-65316057-G-A.
Identifiers: ClinVar variation 3057711 (VCV003057711.3), dbSNP rs752555152, ClinGen allele CA7613343.

ClinVar aggregate classification (germline): Likely benign. Review status: criteria provided, single submitter (1 of 4 stars). 2 submissions from 2 submitters: Likely benign (1). 1 of the submissions does not count toward it. Last evaluated 2024-03-18.

Conditions:
MTFMT-related disorder. Also called: MTFMT-related condition.

Allele frequency attached by ClinVar (database versions not stated): TOPMed 0.00002; gnomAD exomes 0.00005; gnomAD 0.00007; ExAC 0.00012; 1000 Genomes Project 30x 0.00016.
gnomAD v4.1: 86 of 1,613,516 alleles (0.0053%); highest among the groups gnomAD compares: Middle Eastern, 0.082%; no homozygotes.

Submissions (2):

Blueprint Genetics
Classification: Likely benign. Last evaluated: 2024-03-18. Review status: criteria provided, single submitter. Criteria: ACMG Guidelines, 2015. Collection method: clinical testing. Allele origin: germline.

PreventionGenetics, part of Exact Sciences
Classification: Likely benign for MTFMT-related condition. Last evaluated: 2019-02-19. Review status: no assertion criteria provided. Collection method: clinical testing. Allele origin: germline. Not counted in ClinVar's aggregate classification.
Comment: This variant is classified as likely benign based on ACMG/AMP sequence variant interpretation guidelines (Richards et al. 2015 PMID: 25741868, with internal and published modifications).